The following is an entry in ClinVar:

NM_000441.2(SLC26A4):c.736A>C (p.Asn246His)

Gene: SLC26A4 (solute carrier family 26 member 4; plus strand). Cytogenetic location: 7q22.3.
Variant type: single nucleotide variant.
Coding change: c.736A>C on transcript NM_000441.2 (MANE Select); coding-DNA position 736, A replaced by C.
Protein change: p.Asn246His; replaces asparagine 246 with histidine.
Molecular consequence: missense variant.
Genome position (GRCh38, 1-based): chr7:107,675,080, A>C. VCF-style: chr7-107675080-A-C. GRCh37 (hg19) VCF-style: chr7-107315525-A-C.
Other names: short protein forms N246H.
Identifiers: ClinVar variation 1699006 (VCV001699006.3), dbSNP rs147078785, ClinGen allele CA4432554.
Genomic context (GRCh38, chr7:107,675,080, plus strand): 5'-GCTGCTGCCTTCCAAGTGCTGGTCTCACAGCTAAAGATTGTCCTCAATGTTTCAACCAAA[A>C]ACTACAATGGAGTTCTCTCTATTATCTATGTAAGTGTTGCTTCTTGCTCCAGGGATGGGT-3'
Protein context (NP_000432.1, residues 236-256): LKIVLNVSTK[Asn246His]YNGVLSIIYT

ClinVar aggregate classification (germline): Uncertain significance (1 of 4 stars; one submission).

Conditions:
Autosomal recessive nonsyndromic hearing loss 4 (DFNB4). Also called: Deafness, autosomal recessive 4, with enlarged vestibular aqueduct; NEUROSENSORY NONSYNDROMIC RECESSIVE DEAFNESS 4; Nonsyndromic enlarged vestibular aqueduct (NSEVA); Deafness, autosomal recessive 4; Enlarged vestibular aqueduct, digenic; FOXI1-Related Pendred Syndrome. Identifiers: Orphanet 90636, MedGen C3538946, MONDO:0010933, OMIM 600791.

Allele frequency attached by ClinVar (database versions not stated): ExAC 0.00001; gnomAD 0.00001; gnomAD exomes 0.00001.
gnomAD v4.1: 10 of 1,613,922 alleles (0.00062%); highest among the groups gnomAD compares: Middle Eastern, 0.016%; no homozygotes.

Submission:

Victorian Clinical Genetics Services, Murdoch Childrens Research Institute
Classification: Uncertain significance for Autosomal recessive nonsyndromic hearing loss 4. Last evaluated: 2020-05-25. Review status: criteria provided, single submitter. Criteria: ACMG Guidelines, 2015. Collection method: clinical testing. Allele origin: germline. Inheritance: Autosomal recessive inheritance. Affected: yes.
Comment: Based on the classification scheme VCGS_Germline_v1.1.1, this variant is classified as 3A-VUS. Following criteria are met: 0102 - Loss-of-function is a known mechanism of disease for this gene. (N) 0106 - This gene is known to be associated with autosomal recessive disease. (N) 0200 - Variant is predicted to result in a missense amino acid change from asparagine to histidine (exon 6). (N) 0251 - Variant is heterozygous. (N) 0304 - Variant is present in gnomAD <0.01 for a recessive condition (1 heterozygote, 0 homozygotes). (P) 0502 - Missense variant with conflicting in silico predictions and/or uninformative conservation. (N) 0600 - Variant is located in an annotated domain or motif (sulfate transporter domain; PDB, NCBI). (N) 0705 - No comparable variants have previous evidence for pathogenicity. (N) 0804 - Variant has previously been described as variant of uncertain significance in a patient with congenital hypothyroidism (PMID:30240412). (N) 0905 - No segregation evidence has been identified for this variant. (N) 1007 - No published functional evidence has been identified for this variant. (N) 1101 - Very strong and specific phenotype match. (P) 1208 - Inheritance information for this variant is not currently available. (N) Legend: (P) - Pathogenic, (N) - Neutral, (B) - Benign

Literature cited by the submitters: PubMed 30240412.